The following is an entry in ClinVar:

NM_000466.3(PEX1):c.2361del (p.Val788fs)

Gene: PEX1 (peroxisomal biogenesis factor 1; minus strand). Cytogenetic location: 7q21.2.
Variant type: Deletion.
Coding change: c.2361del on transcript NM_000466.3 (MANE Select); coding-DNA position 2361, one base deleted (T; older notation c.2361delT).
Protein change: p.Val788fs; shifts the reading frame from valine 788.
Molecular consequence: frameshift variant.
Genome position (GRCh38, 1-based): chr7:92,501,945, A deleted on the plus strand (T on the coding strand, the reverse complement: PEX1 is on the minus strand); the first of 2 consecutive A bases (chr7:92,501,945-92,501,946); deleting either gives the same sequence. VCF-style (leftmost placement, unchanged base first): chr7-92501944-CA-C. GRCh37 (hg19) VCF-style: chr7-92131258-CA-C.
Other names: c.2190del, p.Val731fs (NM_001282677.2); c.1737del, p.Val580fs (NM_001282678.2); short protein forms V580fs, V788fs, V731fs.
Identifiers: ClinVar variation 2857985 (VCV002857985.3), dbSNP rs2484661583, ClinGen allele CA2739265471.

ClinVar aggregate classification (germline): Pathogenic (1 of 4 stars; one submission).

Conditions:
Zellweger spectrum disorders (ZS). Also called: Zellweger syndrome; Zellweger Spectrum Disorder; Zellweger Spectrum; Zellweger Spectrum Disorder (ZSD). Identifiers: Orphanet 912, MedGen C0043459, MONDO:0019609.

Submission:

Labcorp Genetics (formerly Invitae), Labcorp
Classification: Pathogenic for Zellweger spectrum disorders. Last evaluated: 2023-05-05. Review status: criteria provided, single submitter. Criteria: Invitae Variant Classification Sherloc (09022015). Collection method: clinical testing. Allele origin: germline.
Comment: This sequence change creates a premature translational stop signal (p.Val788Trpfs*20) in the PEX1 gene. It is expected to result in an absent or disrupted protein product. Loss-of-function variants in PEX1 are known to be pathogenic (PMID: 9398847, 16086329, 16141001, 21031596, 26387595, 31831025). This variant is not present in population databases (gnomAD no frequency). This variant has not been reported in the literature in individuals affected with PEX1-related conditions. For these reasons, this variant has been classified as Pathogenic.

Literature cited by the submitters: PubMed 9398847; PubMed 16086329; PubMed 16141001; PubMed 21031596; PubMed 26387595; PubMed 31831025.